The following is an entry in ClinVar:

ClinVar aggregate classification (germline): other (0 of 4 stars; one submission).

Conditions:
Familial colorectal cancer. Identifiers: MedGen CN280943, MONDO:0023113. Disease mechanism: loss of function.

Allele frequency attached by ClinVar (database versions not stated): gnomAD 0.52547 and 0.53447; TOPMed 0.54787; 1000 Genomes Project 30x 0.60087; 1000 Genomes Project 0.60483.
gnomAD v4.1: 81,193 of 151,822 alleles (53%); highest among the groups gnomAD compares: East Asian, 80%; 22,280 homozygotes.

Submission:

Systems Biology Platform Zhejiang California International NanoSystems Institute
Classification: other for Familial colorectal cancer. Review status: no assertion criteria provided. Collection method: not provided. Allele origin: unknown.
ClinVar note: Converted during submission from cancer to other.

NM_000038.6(APC):c.135+982C>G

Gene: APC (APC regulator of WNT signaling pathway; plus strand). Cytogenetic location: 5q22.2.
Variant type: single nucleotide variant.
Coding change: c.135+982C>G on transcript NM_000038.6 (MANE Select); 982 bases into the intron after coding-DNA position 135, C replaced by G.
Molecular consequence: intron variant.
Genome position (GRCh38, 1-based): chr5:112,756,007, C>G. VCF-style: chr5-112756007-C-G. GRCh37 (hg19) VCF-style: chr5-112091704-C-G.
Other names: c.135+982C>G (NM_001354895.2, NM_001127510.3, NM_001354896.2 and 2 more transcripts); c.166-10319C>G (NM_001354897.2, NM_001354902.2, NM_001127511.3); c.61-10319C>G (NM_001354898.2, NM_001354904.2); c.-901+982C>G (NM_001354906.2); c.-42-10319C>G (NM_001354900.2, NM_001354901.2, NM_001354905.2).
Identifiers: ClinVar variation 82823 (VCV000082823.2), dbSNP rs4099181, ClinGen allele CA004448.